The following is an entry in ClinVar:

NM_001134831.2(AHI1):c.3101C>T (p.Thr1034Ile)

Gene: AHI1 (Abelson helper integration site 1; minus strand). Cytogenetic location: 6q23.3.
Variant type: single nucleotide variant.
Coding change: c.3101C>T on transcript NM_001134831.2 (MANE Select); coding-DNA position 3101, C replaced by T.
Protein change: p.Thr1034Ile; replaces threonine 1034 with isoleucine.
Molecular consequence: missense variant.
Genome position (GRCh38, 1-based): chr6:135,394,784, G>A on the plus strand (C>T on the coding strand, the complement: AHI1 is on the minus strand). VCF-style: chr6-135394784-G-A. GRCh37 (hg19) VCF-style: chr6-135715922-G-A.
Other names: c.3101C>T, p.Thr1034Ile (NM_001134830.2, NM_001134832.2, NM_001350503.2 and 2 more transcripts); c.3101C>T (NM_017651.4); short protein forms T1034I.
Identifiers: ClinVar variation 2414049 (VCV002414049.6), dbSNP rs1445033875, ClinGen allele CA365843548.
Genomic context (GRCh38, chr6:135,394,784, plus strand): 5'-CAACAAGCATCTGAACATTTAAAAGAATTGTCAAAGTAAGAAAGGGGCTCACCGGTCTGA[G>A]TGAAACCAAACTGATGTAGAATCTCTTGAGCGGTCAGCATGTTTGACTGCTTTAACTTAG-3'
Protein context (NP_001128303.1, residues 1024-1044): AQEILHQFGF[Thr1034Ile]QTGIISIERK

ClinVar aggregate classification (germline): Uncertain significance. Review status: criteria provided, multiple submitters, no conflicts (2 of 4 stars). 2 submissions from 2 submitters: Uncertain significance (2). Last evaluated 2024-06-04.

Conditions:
Joubert syndrome. Also called: CEREBELLOPARENCHYMAL DISORDER IV; JOUBERT-BOLTSHAUSER SYNDROME; Familial aplasia of the vermis. Identifiers: Orphanet 475, MedGen C5979921, MONDO:0018772.
Joubert syndrome 3 (JBTS3). Also called: AHI1-related Ciliopathy. Identifiers: Orphanet 220493, MedGen C1837713, MONDO:0012078, OMIM 608629.

Allele frequency attached by ClinVar (database versions not stated): gnomAD exomes 0.00002.
gnomAD v4.1: 23 of 1,610,376 alleles (0.0014%); highest among the groups gnomAD compares: Non-Finnish European, 0.002%; no homozygotes.

Submissions (2):

Fulgent Genetics
Classification: Uncertain significance for Joubert syndrome 3. Last evaluated: 2024-06-04. Review status: criteria provided, single submitter. Criteria: ACMG Guidelines, 2015. Collection method: clinical testing. Allele origin: germline.

Labcorp Genetics (formerly Invitae), Labcorp
Classification: Uncertain significance for Joubert syndrome. Last evaluated: 2022-05-25. Review status: criteria provided, single submitter. Criteria: Invitae Variant Classification Sherloc (09022015). Collection method: clinical testing. Allele origin: germline.
Comment: This sequence change replaces threonine, which is neutral and polar, with isoleucine, which is neutral and non-polar, at codon 1034 of the AHI1 protein (p.Thr1034Ile). This variant is present in population databases (no rsID available, gnomAD 0.003%). This variant has not been reported in the literature in individuals affected with AHI1-related conditions. Advanced modeling of protein sequence and biophysical properties (such as structural, functional, and spatial information, amino acid conservation, physicochemical variation, residue mobility, and thermodynamic stability) performed at Invitae indicates that this missense variant is not expected to disrupt AHI1 protein function. In summary, the available evidence is currently insufficient to determine the role of this variant in disease. Therefore, it has been classified as a Variant of Uncertain Significance.